The following is an entry in ClinVar:

ClinVar aggregate classification (germline): Benign/Likely benign. Review status: criteria provided, multiple submitters, no conflicts (2 of 4 stars). 6 submissions from 6 submitters: Benign (3); Likely benign (3). Last evaluated 2025-11-12.

Conditions:
Autoinflammatory syndrome. Identifiers: Orphanet 93665, MedGen C3890737, MONDO:0019751.
Pyogenic arthritis-pyoderma gangrenosum-acne syndrome (PAPA). Also called: FAMILIAL RECURRENT ARTHRITIS; PAPA SYNDROME. Identifiers: Orphanet 69126, MedGen C1858361, MONDO:0011462, OMIM 604416.

Allele frequency attached by ClinVar (database versions not stated): 1000 Genomes Project 0.00020; gnomAD exomes 0.00051 and 0.00110; 1000 Genomes Project 30x 0.00062; gnomAD 0.00082 and 0.00084; ExAC 0.00107; TOPMed 0.00012.
gnomAD v4.1: 883 of 1,612,220 alleles (0.055%); highest among the groups gnomAD compares: East Asian, 0.06%; 3 homozygotes.

Submissions (6):

Labcorp Genetics (formerly Invitae), Labcorp
Classification: Benign for Pyogenic arthritis-pyoderma gangrenosum-acne syndrome. Last evaluated: 2025-11-12. Review status: criteria provided, single submitter. Criteria: Invitae Variant Classification Sherloc (09022015). Collection method: clinical testing. Allele origin: germline.

ARUP Laboratories, Molecular Genetics and Genomics, ARUP Laboratories
Classification: Benign for Pyogenic arthritis-pyoderma gangrenosum-acne syndrome. Last evaluated: 2024-11-04. Review status: criteria provided, single submitter. Criteria: ARUP Molecular Germline Variant Investigation Process 2024. Collection method: clinical testing. Allele origin: germline.

Blueprint Genetics
Classification: Likely benign. Last evaluated: 2024-09-25. Review status: criteria provided, single submitter. Criteria: ACMG Guidelines, 2015. Collection method: clinical testing. Allele origin: germline.

CeGaT Center for Human Genetics Tuebingen
Classification: Likely benign. Last evaluated: 2024-06-01. Review status: criteria provided, single submitter. Criteria: CeGaT Center For Human Genetics Tuebingen Variant Classification Criteria Version 2. Collection method: clinical testing. Allele origin: germline. Affected: yes. Observed: 2 variant alleles.
Comment: PSTPIP1: BP4

Genome Diagnostics Laboratory, The Hospital for Sick Children
Classification: Likely benign for Autoinflammatory syndrome. Last evaluated: 2021-04-12. Review status: criteria provided, single submitter. Criteria: ACMG Guidelines, 2015. Collection method: clinical testing. Allele origin: germline. Affected: yes.

GeneDx
Classification: Benign. Last evaluated: 2015-03-03. Review status: criteria provided, single submitter. Criteria: GeneDx Variant Classification Process June 2021. Collection method: clinical testing. Allele origin: germline. Affected: yes.

NM_003978.5(PSTPIP1):c.1134G>A (p.Leu378=)

Gene: PSTPIP1 (proline-serine-threonine phosphatase interacting protein 1; plus strand). Cytogenetic location: 15q24.3.
Variant type: single nucleotide variant.
Coding change: c.1134G>A on transcript NM_003978.5 (MANE Select); coding-DNA position 1134, G replaced by A.
Protein change: p.Leu378=; no amino-acid change (leucine 378 retained).
Molecular consequence: synonymous variant. On other transcripts: non-coding transcript variant (1).
Genome position (GRCh38, 1-based): chr15:77,037,059, G>A. VCF-style: chr15-77037059-G-A. GRCh37 (hg19) VCF-style: chr15-77329400-G-A.
Other names: c.1077G>A, p.Leu359= (NM_001321135.2); c.1107G>A, p.Leu369= (NM_001321136.2); c.1329G>A, p.Leu443= (NM_001321137.1).
Identifiers: ClinVar variation 534753 (VCV000534753.50), dbSNP rs529402949, ClinGen allele CA7676201.